The following is an entry in ClinVar:

NM_013447.4(ADGRE2):c.274T>C (p.Tyr92His)

Gene: ADGRE2 (adhesion G protein-coupled receptor E2; minus strand). Cytogenetic location: 19p13.12.
Variant type: single nucleotide variant.
Coding change: c.274T>C on transcript NM_013447.4 (MANE Select); coding-DNA position 274, T replaced by C.
Protein change: p.Tyr92His; replaces tyrosine 92 with histidine.
Molecular consequence: missense variant.
Genome position (GRCh38, 1-based): chr19:14,772,423, A>G on the plus strand (T>C on the coding strand, the complement: ADGRE2 is on the minus strand). VCF-style: chr19-14772423-A-G. GRCh37 (hg19) VCF-style: chr19-14883235-A-G.
Other names: c.274T>C, p.Tyr92His (NM_001271052.1, NM_152916.2, NM_152917.2); short protein forms Y92H.
Identifiers: ClinVar variation 2802378 (VCV002802378.3), dbSNP rs1486426692, ClinGen allele CA404464064.

ClinVar aggregate classification (germline): Uncertain significance (1 of 4 stars; one submission).

gnomAD v4.1: 1 of 1,614,024 alleles (0.000062%); highest among the groups gnomAD compares: Non-Finnish European, 0.000085%; no homozygotes.

Submission:

Labcorp Genetics (formerly Invitae), Labcorp
Classification: Uncertain significance. Last evaluated: 2023-04-28. Review status: criteria provided, single submitter. Criteria: Invitae Variant Classification Sherloc (09022015). Collection method: clinical testing. Allele origin: germline.
Comment: This sequence change replaces tyrosine, which is neutral and polar, with histidine, which is basic and polar, at codon 92 of the ADGRE2 protein (p.Tyr92His). This variant is not present in population databases (gnomAD no frequency). This variant has not been reported in the literature in individuals affected with ADGRE2-related conditions. Algorithms developed to predict the effect of missense changes on protein structure and function output the following: SIFT: "Not Available"; PolyPhen-2: "Possibly Damaging"; Align-GVGD: "Not Available". The histidine amino acid residue is found in multiple mammalian species, which suggests that this missense change does not adversely affect protein function. In summary, the available evidence is currently insufficient to determine the role of this variant in disease. Therefore, it has been classified as a Variant of Uncertain Significance.